The following is an entry in ClinVar:

ClinVar aggregate classification (germline): Uncertain significance (1 of 4 stars; one submission).

Allele frequency attached by ClinVar (database versions not stated): gnomAD 0.00001; gnomAD exomes 0.00001; TOPMed below 0.00001; ExAC 0.00001.

Submission:

Labcorp Genetics (formerly Invitae), Labcorp
Classification: Uncertain significance. Last evaluated: 2025-05-16. Review status: criteria provided, single submitter. Criteria: Invitae Variant Classification Sherloc (09022015). Collection method: clinical testing. Allele origin: germline.
Comment: This sequence change replaces glycine, which is neutral and non-polar, with arginine, which is basic and polar, at codon 647 of the COMP protein (p.Gly647Arg). This variant is present in population databases (rs757419000, gnomAD 0.003%). This variant has not been reported in the literature in individuals affected with COMP-related conditions. ClinVar contains an entry for this variant (Variation ID: 2955164). Invitae Evidence Modeling of protein sequence and biophysical properties (such as structural, functional, and spatial information, amino acid conservation, physicochemical variation, residue mobility, and thermodynamic stability) indicates that this missense variant is expected to disrupt COMP protein function with a positive predictive value of 80%. In summary, the available evidence is currently insufficient to determine the role of this variant in disease. Therefore, it has been classified as a Variant of Uncertain Significance.

NM_000095.3(COMP):c.1939G>A (p.Gly647Arg)

Gene: COMP (cartilage oligomeric matrix protein; minus strand). Cytogenetic location: 19p13.11.
Variant type: single nucleotide variant.
Coding change: c.1939G>A on transcript NM_000095.3 (MANE Select); coding-DNA position 1939, G replaced by A.
Protein change: p.Gly647Arg; replaces glycine 647 with arginine.
Molecular consequence: missense variant.
Genome position (GRCh38, 1-based): chr19:18,784,339, C>T on the plus strand (G>A on the coding strand, the complement: COMP is on the minus strand). VCF-style: chr19-18784339-C-T. GRCh37 (hg19) VCF-style: chr19-18895149-C-T.
Other names: short protein forms G647R.
Identifiers: ClinVar variation 2955164 (VCV002955164.3), dbSNP rs757419000, ClinGen allele CA9316221.